The following is an entry in ClinVar:

NM_006415.4(SPTLC1):c.998A>G (p.Gln333Arg)

Gene: SPTLC1 (serine palmitoyltransferase long chain base subunit 1; minus strand). Cytogenetic location: 9q22.31.
Variant type: single nucleotide variant.
Coding change: c.998A>G on transcript NM_006415.4 (MANE Select); coding-DNA position 998, A replaced by G.
Protein change: p.Gln333Arg; replaces glutamine 333 with arginine.
Molecular consequence: missense variant.
Genome position (GRCh38, 1-based): chr9:92,047,255, T>C on the plus strand (A>G on the coding strand, the complement: SPTLC1 is on the minus strand). VCF-style: chr9-92047255-T-C. GRCh37 (hg19) VCF-style: chr9-94809537-T-C.
Other names: c.998A>G, p.Gln333Arg (NM_001281303.2); c.632A>G, p.Gln211Arg (NM_001368272.1); c.533A>G, p.Gln178Arg (NM_001368273.1); short protein forms Q178R, Q211R, Q333R.
Identifiers: ClinVar variation 3638304 (VCV003638304.2).
Genomic context (GRCh38, chr9:92,047,255, plus strand): 5'-AGGGCCTCAATTGCTGCAGCAGCTAACAGGGGAGGTAACGAAGCTGAAAAGCAGTATCCC[T>C]GGCCGGAAAGTCGCTGAGAAGAAACAAATGAAGACATATACACATTCTCTGTCCTTTCTA-3'
Protein context (NP_006406.1, residues 323-343): FVIDHQRLSG[Gln333Arg]GYCFSASLPP

ClinVar aggregate classification (germline): Uncertain significance (1 of 4 stars; one submission).

Conditions:
Hereditary sensory and autonomic neuropathy type 1 (HSAN1). Also called: HSAN 1; HSN Type I; Hereditary Sensory Neuropathy Type I. Identifiers: Orphanet 36386, MedGen C0020071, MONDO:0018213.

Submission:

Labcorp Genetics (formerly Invitae), Labcorp
Classification: Uncertain significance for Hereditary sensory and autonomic neuropathy type 1. Last evaluated: 2024-02-02. Review status: criteria provided, single submitter. Criteria: Invitae Variant Classification Sherloc (09022015). Collection method: clinical testing. Allele origin: germline.
Comment: This sequence change replaces glutamine, which is neutral and polar, with arginine, which is basic and polar, at codon 333 of the SPTLC1 protein (p.Gln333Arg). This variant is not present in population databases (gnomAD no frequency). This variant has not been reported in the literature in individuals affected with SPTLC1-related conditions. Advanced modeling of protein sequence and biophysical properties (such as structural, functional, and spatial information, amino acid conservation, physicochemical variation, residue mobility, and thermodynamic stability) performed at Invitae indicates that this missense variant is not expected to disrupt SPTLC1 protein function with a negative predictive value of 80%. In summary, the available evidence is currently insufficient to determine the role of this variant in disease. Therefore, it has been classified as a Variant of Uncertain Significance.